The following is an entry in ClinVar:

NM_212482.4(FN1):c.546A>G (p.Ile182Met)

Gene: FN1 (fibronectin 1; minus strand). Cytogenetic location: 2q35.
Variant type: single nucleotide variant.
Coding change: c.546A>G on transcript NM_212482.4 (MANE Select); coding-DNA position 546, A replaced by G.
Protein change: p.Ile182Met; replaces isoleucine 182 with methionine.
Molecular consequence: missense variant.
Genome position (GRCh38, 1-based): chr2:215,431,834, T>C on the plus strand (A>G on the coding strand, the complement: FN1 is on the minus strand). VCF-style: chr2-215431834-T-C. GRCh37 (hg19) VCF-style: chr2-216296557-T-C.
Other names: c.546A>G, p.Ile182Met (NM_001306129.2, NM_001306130.2, NM_001306131.2 and 14 more transcripts); short protein forms I182M.
Identifiers: ClinVar variation 4292924 (VCV004292924.1).
Genomic context (GRCh38, chr2:215,431,834, plus strand): 5'-TCCAACCCCACATTAGAACTAAGCATCCCAGCTCTTGCTCAGCCCTAAGACTCACACACC[T>C]ATGGGCTTGCAGGTCCATTCTCCTTTTCCATTACCAAGACACACACACTCTAACATGTAA-3'
Protein context (NP_997647.2, residues 172-192): NGKGEWTCKP[Ile182Met]AEKCFDHAAG

ClinVar aggregate classification (germline): Uncertain significance (1 of 4 stars; one submission).

Conditions:
Glomerulopathy with fibronectin deposits 2 (GFND2). Identifiers: Orphanet 84090, MedGen C1866075, MONDO:0011165, OMIM 601894.

Submission:

3billion
Classification: Uncertain significance for Glomerulopathy with fibronectin deposits 2. Last evaluated: 2024-06-23. Review status: criteria provided, single submitter. Criteria: ACMG Guidelines, 2015. Collection method: clinical testing. Allele origin: germline. Affected: yes.
Comment: The variant is not observed in the gnomAD v4.0.0 dataset. Predicted Consequence/Location: Missense changes are a common disease-causing mechanism. In silico tool predictions suggest damaging effect of the variant on gene or gene product [3Cnet: 0.83 (>=0.6, sensitivity 0.72 and precision 0.9)]. Therefore, this variant is classified as VUS according to the recommendation of ACMG/AMP guideline.